The following is an entry in ClinVar:

NM_000424.4(KRT5):c.1705G>A (p.Gly569Arg)

Gene: KRT5 (keratin 5; minus strand). Cytogenetic location: 12q13.13.
Variant type: single nucleotide variant.
Coding change: c.1705G>A on transcript NM_000424.4 (MANE Select); coding-DNA position 1705, G replaced by A.
Protein change: p.Gly569Arg; replaces glycine 569 with arginine.
Molecular consequence: missense variant.
Genome position (GRCh38, 1-based): chr12:52,515,010, C>T on the plus strand (G>A on the coding strand, the complement: KRT5 is on the minus strand). VCF-style: chr12-52515010-C-T. GRCh37 (hg19) VCF-style: chr12-52908794-C-T.
Other names: short protein forms G569R.
Identifiers: ClinVar variation 309555 (VCV000309555.15), dbSNP rs148276250, ClinGen allele CA6582411.

ClinVar aggregate classification (germline): Benign. Review status: criteria provided, multiple submitters, no conflicts (2 of 4 stars). 4 submissions from 4 submitters: Benign (3). 1 of the submissions does not count toward it. Last evaluated 2025-10-26.

Conditions:
KRT5-related disorder. Also called: KRT5-related condition.
Epidermolysis bullosa simplex. Also called: Epidermolysis bullosa simplex, Weber-Cockayne type (subtype); Epidermolysis bullosa simplex, Dowling-Meara type (subtype); Epidermolysis bullosa simplex with mottled pigmentation (subtype). Identifiers: Orphanet 304, MedGen C0079298, MONDO:0017610.

Allele frequency attached by ClinVar (database versions not stated): 1000 Genomes Project 0.00200; 1000 Genomes Project 30x 0.00234; gnomAD 0.00238 and 0.00253; ESP Exome Variant Server 0.00269; TOPMed 0.00271.
gnomAD v4.1: 688 of 1,613,172 alleles (0.043%); highest among the groups gnomAD compares: African/African-American, 0.76%; 5 homozygotes.

Submissions (4):

Labcorp Genetics (formerly Invitae), Labcorp
Classification: Benign. Last evaluated: 2025-10-26. Review status: criteria provided, single submitter. Criteria: Invitae Variant Classification Sherloc (09022015). Collection method: clinical testing. Allele origin: germline.

Illumina Laboratory Services, Illumina
Classification: Benign for Epidermolysis bullosa simplex. Last evaluated: 2018-01-12. Review status: criteria provided, single submitter. Criteria: ICSL Variant Classification Criteria 13 December 2019. Collection method: clinical testing. Allele origin: germline.
Comment: This variant was observed in the ICSL laboratory as part of a predisposition screen in an ostensibly healthy population. It had not been previously curated by ICSL or reported in the Human Gene Mutation Database (HGMD: prior to June 1st, 2018), and was therefore a candidate for classification through an automated scoring system. Utilizing variant allele frequency, disease prevalence and penetrance estimates, and inheritance mode, an automated score was calculated to assess if this variant is too frequent to cause the disease. Based on the score and internal cut-off values, a variant classified as benign is not then subjected to further curation. The score for this variant resulted in a classification of benign for this disease.

Breakthrough Genomics
Classification: Benign. Review status: criteria provided, single submitter. Criteria: ACMG Guidelines, 2015. Collection method: not provided. Allele origin: germline. Inheritance: Autosomal recessive inheritance. Affected: yes.

PreventionGenetics, part of Exact Sciences
Classification: Likely benign for KRT5-related condition. Last evaluated: 2024-05-29. Review status: no assertion criteria provided. Collection method: clinical testing. Allele origin: germline. Not counted in ClinVar's aggregate classification.
Comment: This variant is classified as likely benign based on ACMG/AMP sequence variant interpretation guidelines (Richards et al. 2015 PMID: 25741868, with internal and published modifications).